The following is an entry in ClinVar:

NM_000363.5(TNNI3):c.302A>G (p.His101Arg)

Gene: TNNI3 (troponin I3, cardiac type; minus strand). Cytogenetic location: 19q13.42.
Variant type: single nucleotide variant.
Coding change: c.302A>G on transcript NM_000363.5 (MANE Select); coding-DNA position 302, A replaced by G.
Protein change: p.His101Arg; replaces histidine 101 with arginine.
Molecular consequence: missense variant.
Genome position (GRCh38, 1-based): chr19:55,154,811, T>C on the plus strand (A>G on the coding strand, the complement: TNNI3 is on the minus strand). VCF-style: chr19-55154811-T-C. GRCh37 (hg19) VCF-style: chr19-55666179-T-C.
Other names: p.H101R:CAC>CGC; c.302A>G (LRG_432t1); short protein forms H101R.
Identifiers: ClinVar variation 181599 (VCV000181599.6), dbSNP rs730881087, ClinGen allele CA021470.

ClinVar aggregate classification (germline): Conflicting classifications of pathogenicity. Review status: criteria provided, conflicting classifications (1 of 4 stars). 3 submissions from 3 submitters: Likely pathogenic (1); Uncertain significance (2). Last evaluated 2023-07-12.

Conditions:
Hypertrophic cardiomyopathy 7. Also called: TNNI3-Related Familial Hypertrophic Cardiomyopathy; Familial hypertrophic cardiomyopathy 7; CARDIOMYOPATHY, FAMILIAL HYPERTROPHIC, 7, MODIFIER OF. Identifiers: MedGen C1860752, MONDO:0013369, OMIM 613690.
Dilated cardiomyopathy 1FF (CMD1FF). Identifiers: Orphanet 154, MedGen C2750091, MONDO:0013211, OMIM 613286.

Submissions (3):

Clinical Genomics Laboratory, Stanford Medicine
Classification: Uncertain significance for Dilated cardiomyopathy 1FF; Hypertrophic cardiomyopathy 7. Last evaluated: 2023-07-12. Review status: criteria provided, single submitter. Criteria: ACMG Guidelines, 2015. Collection method: clinical testing. Allele origin: maternal. Affected: yes. Observed: 3 variant alleles, 3 heterozygotes. Clinical features observed: Hypertrophic cardiomyopathy, global developmental delay, intellectual disability, autism, seizures.
Comment: The p.His101Arg variant in the TNNI3 gene has been previously reported in 1 unrelated individual with hypertrophic cardiomyopathy (PMID:30297972). This variant was absent from large population databases, including the Genome Aggregation Database. This variant is present in ClinVar (Accession: VCV000181599.4). Computational tools predict that this variant is deleterious; however, the accuracy of in silico algorithms is limited. These data were assessed using the ACMG/AMP variant interpretation guidelines. In summary, the significance of the p.His101Arg variant is uncertain. Additional information is needed to resolve the significance of this variant. [ACMG evidence codes used: PM2, PP3]

Stanford Center for Inherited Cardiovascular Disease, Stanford University
Classification: Uncertain significance. Last evaluated: 2012-02-21. Review status: criteria provided, single submitter. Criteria: ACMG Guidelines, 2015. Collection method: provider interpretation. Allele origin: germline.

GeneDx
Classification: Likely pathogenic. Last evaluated: 2012-02-10. Review status: criteria provided, single submitter. Criteria: GeneDx Variant Classification (06012015). Collection method: clinical testing. Allele origin: germline. Affected: yes.
Comment: The His101Arg variant in the TNNI3 gene has not been reported previously as a disease-causing mutation or as a rare benign variant, to our knowledge. Although His101Arg results in a conservative amino acid substitution of one positively charged amino acid with another, this position is highly conserved throughout evolution. In silico analysis predicts His101Arg is damaging to the protein structure/function. Also, a mutation in a nearby codon (Ala91Thr) has been reported in association with dilated cardiomyopathy, supporting the functional importance of this region of the protein. Furthermore, the NHLBI ESP Exome Variant Server reports His101Arg was not observed in approximately 5,000 samples from individuals of European and African American backgrounds, indicating it is not a common benign variant in these populations. The variant is found in DCM,HCM panel(s).

Literature cited by the submitters: PubMed 30297972 (cited by Clinical Genomics Laboratory, Stanford Medicine).